The following is an entry in ClinVar:

NM_004859.4(CLTC):c.1561G>A (p.Val521Ile)

Gene: CLTC (clathrin heavy chain; plus strand). Cytogenetic location: 17q23.1.
Variant type: single nucleotide variant.
Coding change: c.1561G>A on transcript NM_004859.4 (MANE Select); coding-DNA position 1561, G replaced by A.
Protein change: p.Val521Ile; replaces valine 521 with isoleucine.
Molecular consequence: missense variant.
Genome position (GRCh38, 1-based): chr17:59,664,826, G>A. VCF-style: chr17-59664826-G-A. GRCh37 (hg19) VCF-style: chr17-57742187-G-A.
Other names: c.1573G>A, p.Val525Ile (NM_001288653.2); short protein forms V521I, V525I.
Identifiers: ClinVar variation 1956735 (VCV001956735.5), dbSNP rs1461231562, ClinGen allele CA400426638.

ClinVar aggregate classification (germline): Uncertain significance (1 of 4 stars; one submission).

Allele frequency attached by ClinVar (database versions not stated): gnomAD exomes below 0.00001; TOPMed 0.00002.
gnomAD v4.1: 3 of 1,614,054 alleles (0.00019%); highest among the groups gnomAD compares: Non-Finnish European, 0.00025%; no homozygotes.

Submission:

Labcorp Genetics (formerly Invitae), Labcorp
Classification: Uncertain significance. Last evaluated: 2023-11-27. Review status: criteria provided, single submitter. Criteria: Invitae Variant Classification Sherloc (09022015). Collection method: clinical testing. Allele origin: germline.
Comment: This sequence change replaces valine, which is neutral and non-polar, with isoleucine, which is neutral and non-polar, at codon 525 of the CLTC protein (p.Val525Ile). This variant is not present in population databases (gnomAD no frequency). This variant has not been reported in the literature in individuals affected with CLTC-related conditions. ClinVar contains an entry for this variant (Variation ID: 1956735). Advanced modeling of protein sequence and biophysical properties (such as structural, functional, and spatial information, amino acid conservation, physicochemical variation, residue mobility, and thermodynamic stability) performed at Invitae indicates that this missense variant is not expected to disrupt CLTC protein function with a negative predictive value of 80%. In summary, the available evidence is currently insufficient to determine the role of this variant in disease. Therefore, it has been classified as a Variant of Uncertain Significance.